The following continues an entry in ClinVar:

NM_007294.4(BRCA1):c.211A>G (p.Arg71Gly)

Gene: BRCA1. ClinVar aggregate classification (germline): Pathogenic. Pathogenic (1).

Submissions 29 to 38 of 38:

BRCAlab, Lund University
Classification: Pathogenic for Breast-ovarian cancer, familial, susceptibility to, 1. Last evaluated: 2020-03-02. Review status: no assertion criteria provided. Collection method: clinical testing. Allele origin: germline. Affected: yes. Not counted in ClinVar's aggregate classification.

Counsyl
Classification: Pathogenic for Breast-ovarian cancer, familial, susceptibility to, 1. Last evaluated: 2016-03-16. Review status: no assertion criteria provided. Collection method: clinical testing. Allele origin: unknown. Not counted in ClinVar's aggregate classification.

Research Molecular Genetics Laboratory, Women's College Hospital, University of Toronto
Classification: Pathogenic for Hereditary breast ovarian cancer syndrome. Last evaluated: 2014-01-31. Review status: no assertion criteria provided. Collection method: research. Allele origin: germline. Affected: yes. Study: The Canadian Open Genetics Repository (COGR). Not counted in ClinVar's aggregate classification.

Sharing Clinical Reports Project (SCRP)
Classification: Pathogenic for Breast-ovarian cancer, familial 1. Last evaluated: 2012-10-15. Review status: no assertion criteria provided. Collection method: clinical testing. Allele origin: germline. Not counted in ClinVar's aggregate classification.

OMIM
Classification: Pathogenic for BREAST-OVARIAN CANCER, FAMILIAL, SUSCEPTIBILITY TO, 1. Last evaluated: 2003-10-01. Review status: no assertion criteria provided. Collection method: literature only. Allele origin: germline. Not counted in ClinVar's aggregate classification.

Breast Cancer Information Core (BIC) (BRCA1)
Classification: Pathogenic for Breast-ovarian cancer, familial 1. Last evaluated: 2002-05-29. Review status: no assertion criteria provided. Collection method: clinical testing. Allele origin: germline, somatic. Affected: yes. Observed: 38 variant alleles. Not counted in ClinVar's aggregate classification.

Brotman Baty Institute, University of Washington
No classification provided (evidence only). Condition: Breast-ovarian cancer, familial 1. Review status: no classification provided. Collection method: in vitro. Allele origin: not applicable. Functional consequence: functionally_abnormal. Not counted in ClinVar's aggregate classification.
ClinVar note: "not provided" was previously submitted as the classification for the variant. However, the classification appeared to be based only on an observation of functional data so it was converted to no classification on 2025-07-30.

Department of Pathology and Laboratory Medicine, Sinai Health System
Classification: Uncertain significance. Review status: no assertion criteria provided. Collection method: clinical testing. Allele origin: unknown. Affected: yes. Observed: 1 variant allele. Study: The Canadian Open Genetics Repository (COGR). Not counted in ClinVar's aggregate classification.

Genome Diagnostics Laboratory, University Medical Center Utrecht
Classification: Pathogenic. Review status: no assertion criteria provided. Collection method: clinical testing. Allele origin: germline. Affected: yes. Study: VKGL Data-share Consensus. Not counted in ClinVar's aggregate classification.

Joint Genome Diagnostic Labs from Nijmegen and Maastricht, Radboudumc and MUMC+
Classification: Pathogenic. Review status: no assertion criteria provided. Collection method: clinical testing. Allele origin: germline. Affected: yes. Study: VKGL Data-share Consensus. Not counted in ClinVar's aggregate classification.

Literature cited by the submitters: PubMed 31131967 (cited by 5 submitters); PubMed 11385711 (cited by 11 submitters); PubMed 20215541 (cited by 10 submitters); PubMed 21735045 (cited by 3 submitters); PubMed 22505045 (cited by 7 submitters); PubMed 30209399 (cited by 9 submitters); PubMed 12014998 (cited by 6 submitters); PubMed 23683081 (cited by 4 submitters); PubMed 27081505 (cited by Labcorp Genetics (formerly Invitae), Labcorp); PubMed 2316185 (cited by Labcorp Genetics (formerly Invitae), Labcorp); PubMed 11320250 (cited by 3 submitters); PubMed 16403807 (cited by Labcorp Genetics (formerly Invitae), Labcorp and Quest Diagnostics Nichols Institute San Juan Capistrano); PubMed 20103620 (cited by Labcorp Genetics (formerly Invitae), Labcorp); PubMed 21725363 (cited by Labcorp Genetics (formerly Invitae), Labcorp and Sema4); PubMed 2173504 (cited by Labcorp Genetics (formerly Invitae), Labcorp); PubMed 19123044 (cited by 7 submitters); PubMed 10508480 (cited by 5 submitters); PubMed 12955716 (cited by 4 submitters); PubMed 18159056 (cited by 3 submitters); PubMed 20104584 (cited by Color Diagnostics, LLC DBA Color Health and All of Us Research Program, National Institutes of Health); PubMed 25716084 (cited by 4 submitters); PubMed 28664506 (cited by 3 submitters); PubMed 28985766 (cited by Color Diagnostics, LLC DBA Color Health and All of Us Research Program, National Institutes of Health); PubMed 29088781 (cited by 3 submitters); PubMed 29446198 (cited by 5 submitters); PubMed 30606148 (cited by 5 submitters); PubMed 31853058 (cited by Color Diagnostics, LLC DBA Color Health); PubMed 33471991 (cited by 4 submitters); PubMed 40413188 (cited by Color Diagnostics, LLC DBA Color Health); PubMed 23199084 (cited by Ambry Genetics); PubMed 27836010 (cited by Ambry Genetics and Institute for Genomic Medicine (IGM) Clinical Laboratory, Nationwide Children's Hospital); PubMed 36329109 (cited by 3 submitters); PubMed 15235020 (cited by Quest Diagnostics Nichols Institute San Juan Capistrano); PubMed 19208665 (cited by Quest Diagnostics Nichols Institute San Juan Capistrano); PubMed 16280041 (cited by Quest Diagnostics Nichols Institute San Juan Capistrano); PubMed 26295337 (cited by Quest Diagnostics Nichols Institute San Juan Capistrano); PubMed 23161852 (cited by Women's Health and Genetics/Laboratory Corporation of America, LabCorp); PubMed 38922859 (cited by Molecular Oncology, Hospital Universitario Central de Asturias (HUCA)); PubMed 26246475 (cited by Counsyl); Vega et al. Human Mutation 2001; Vega et al. Ann Hum Genet 2002 (cited by Breast Cancer Information Core (BIC) (BRCA1)).